The following is an entry in ClinVar:

ClinVar aggregate classification (germline): Uncertain significance (1 of 4 stars; one submission).

Conditions:
Intellectual developmental disorder, X-linked, syndromic, Turner type. Also called: Intellectual disability, X-linked syndromic, Turner type; X-linked intellectual disability, Turner type. Identifiers: Orphanet 3056, Orphanet 85328, MedGen C2678046, MONDO:0010407, OMIM 309590.

Submission:

Illumina Laboratory Services, Illumina
Classification: Uncertain significance for Intellectual developmental disorder, X-linked, syndromic, Turner type. Last evaluated: 2023-08-18. Review status: criteria provided, single submitter. Criteria: ICSLVariantClassificationCriteria RUGD 01 April 2020. Collection method: clinical testing. Allele origin: unknown.
Comment: The HUWE1 c.401T>G p.(Val134Gly) missense variant has not, to our knowledge, been reported in the peer-reviewed literature. This variant is not observed in version 2.1.1 or version 3.1.2 of the Genome Aggregation Database. The residue is located in the DUF908 protein domain and multiple lines of computational evidence suggest the variant may impact the gene or gene product. Based on the available evidence, the c.401T>G p.(Val134Gly) variant is classified as a variant of uncertain significance for X-linked syndromic intellectual disability, Turner type.

NM_031407.7(HUWE1):c.401T>G (p.Val134Gly)

Gene: HUWE1 (HECT, UBA and WWE domain containing E3 ubiquitin protein ligase 1; minus strand). Cytogenetic location: Xp11.22.
Variant type: single nucleotide variant.
Coding change: c.401T>G on transcript NM_031407.7 (MANE Select); coding-DNA position 401, T replaced by G.
Protein change: p.Val134Gly; replaces valine 134 with glycine.
Molecular consequence: missense variant.
Genome position (GRCh38, 1-based): chrX:53,645,414, A>C on the plus strand (T>G on the coding strand, the complement: HUWE1 is on the minus strand). VCF-style: chrX-53645414-A-C. GRCh37 (hg19) VCF-style: chrX-53672366-A-C.
Other names: short protein forms V134G.
Identifiers: ClinVar variation 2637950 (VCV002637950.1), dbSNP rs2528790175, ClinGen allele CA413164115.